The following is an entry in ClinVar:

NM_000245.4(MET):c.256A>G (p.Thr86Ala)

Gene: MET (MET proto-oncogene, receptor tyrosine kinase; plus strand). Cytogenetic location: 7q31.2.
Variant type: single nucleotide variant.
Coding change: c.256A>G on transcript NM_000245.4 (MANE Select); coding-DNA position 256, A replaced by G.
Protein change: p.Thr86Ala; replaces threonine 86 with alanine.
Molecular consequence: missense variant. On other transcripts: intron variant (1).
Genome position (GRCh38, 1-based): chr7:116,699,340, A>G. VCF-style: chr7-116699340-A-G. GRCh37 (hg19) VCF-style: chr7-116339394-A-G.
Other names: c.256A>G, p.Thr86Ala (NM_001127500.3, NM_001324401.3); c.-91+26763A>G (NM_001324402.2); short protein forms T86A.
Identifiers: ClinVar variation 1793208 (VCV001793208.4), dbSNP rs2116584079, ClinGen allele CA368968676.
Genomic context (GRCh38, chr7:116,699,340, plus strand): 5'-GCCACTAACTACATTTATGTTTTAAATGAGGAAGACCTTCAGAAGGTTGCTGAGTACAAG[A>G]CTGGGCCTGTGCTGGAACACCCAGATTGTTTCCCATGTCAGGACTGCAGCAGCAAAGCCA-3'
Protein context (NP_000236.2, residues 76-96): EDLQKVAEYK[Thr86Ala]GPVLEHPDCF

ClinVar aggregate classification (germline): Uncertain significance. Review status: criteria provided, multiple submitters, no conflicts (2 of 4 stars). 2 submissions from 2 submitters: Uncertain significance (2). Last evaluated 2024-06-23.

Conditions:
Renal cell carcinoma. Identifiers: Orphanet 217071, MedGen C0007134, MeSH D002292, MONDO:0005086, HP:0005584.
Hereditary cancer-predisposing syndrome. Also called: Tumor predisposition; Hereditary Cancer Syndrome; Neoplastic Syndromes, Hereditary; Hereditary neoplastic syndrome. Identifiers: Orphanet 140162, MedGen C0027672, MeSH D009386, MONDO:0015356.

Allele frequency attached by ClinVar (database versions not stated): gnomAD exomes below 0.00001.
gnomAD v4.1: 2 of 1,614,066 alleles (0.00012%); highest among the groups gnomAD compares: Non-Finnish European, 0.00017%; no homozygotes.

Submissions (2):

Labcorp Genetics (formerly Invitae), Labcorp
Classification: Uncertain significance for Renal cell carcinoma. Last evaluated: 2024-06-23. Review status: criteria provided, single submitter. Criteria: Invitae Variant Classification Sherloc (09022015). Collection method: clinical testing. Allele origin: germline.
Comment: This sequence change replaces threonine, which is neutral and polar, with alanine, which is neutral and non-polar, at codon 86 of the MET protein (p.Thr86Ala). This variant is not present in population databases (gnomAD no frequency). This variant has not been reported in the literature in individuals affected with MET-related conditions. ClinVar contains an entry for this variant (Variation ID: 1793208). Advanced modeling of protein sequence and biophysical properties (such as structural, functional, and spatial information, amino acid conservation, physicochemical variation, residue mobility, and thermodynamic stability) performed at Invitae indicates that this missense variant is expected to disrupt MET protein function with a positive predictive value of 80%. In summary, the available evidence is currently insufficient to determine the role of this variant in disease. Therefore, it has been classified as a Variant of Uncertain Significance.

Ambry Genetics
Classification: Uncertain significance for Hereditary cancer-predisposing syndrome. Last evaluated: 2020-06-17. Review status: criteria provided, single submitter. Criteria: Ambry Variant Classification Scheme 2023. Collection method: clinical testing. Allele origin: germline.
Comment: The p.T86A variant (also known as c.256A>G), located in coding exon 1 of the MET gene, results from an A to G substitution at nucleotide position 256. The threonine at codon 86 is replaced by alanine, an amino acid with similar properties. This amino acid position is highly conserved in available vertebrate species. In addition, the in silico prediction for this alteration is inconclusive. Since supporting evidence is limited at this time, the clinical significance of this alteration remains unclear.